The following is an entry in ClinVar:

NM_000245.4(MET):c.1779T>A (p.Asn593Lys)

Gene: MET (MET proto-oncogene, receptor tyrosine kinase; plus strand). Cytogenetic location: 7q31.2.
Variant type: single nucleotide variant.
Coding change: c.1779T>A on transcript NM_000245.4 (MANE Select); coding-DNA position 1779, T replaced by A.
Protein change: p.Asn593Lys; replaces asparagine 593 with lysine.
Molecular consequence: missense variant.
Genome position (GRCh38, 1-based): chr7:116,755,432, T>A. VCF-style: chr7-116755432-T-A. GRCh37 (hg19) VCF-style: chr7-116395486-T-A.
Other names: c.1779T>A, p.Asn593Lys (NM_001127500.3, NM_001324401.3); c.489T>A, p.Asn163Lys (NM_001324402.2); short protein forms N163K, N593K.
Identifiers: ClinVar variation 4691719 (VCV004691719.2).

ClinVar aggregate classification (germline): Uncertain significance. Review status: criteria provided, multiple submitters, no conflicts (2 of 4 stars). 2 submissions from 2 submitters: Uncertain significance (2). Last evaluated 2026-06-15.

Conditions:
Hereditary cancer-predisposing syndrome. Also called: Hereditary Cancer Syndrome; Hereditary neoplastic syndrome; Neoplastic Syndromes, Hereditary; Tumor predisposition. Identifiers: Orphanet 140162, MedGen C0027672, MeSH D009386, MONDO:0015356.
Renal cell carcinoma. Identifiers: Orphanet 217071, MedGen C0007134, MeSH D002292, MONDO:0005086, HP:0005584.

Submissions (2):

Ambry Genetics
Classification: Uncertain significance for Hereditary cancer-predisposing syndrome. Last evaluated: 2026-06-15. Review status: criteria provided, single submitter. Criteria: Ambry Variant Classification Scheme 2023. Collection method: clinical testing. Allele origin: germline.
Comment: The p.N593K variant (also known as c.1779T>A), located in coding exon 5 of the MET gene, results from a T to A substitution at nucleotide position 1779. The asparagine at codon 593 is replaced by lysine, an amino acid with similar properties. This amino acid position is highly conserved in available vertebrate species. In addition, this alteration is predicted to be tolerated by in silico analysis. Based on the available evidence, the clinical significance of this variant remains unclear.

Labcorp Genetics (formerly Invitae), Labcorp
Classification: Uncertain significance for Renal cell carcinoma. Last evaluated: 2025-03-09. Review status: criteria provided, single submitter. Criteria: Invitae Variant Classification Sherloc (09022015). Collection method: clinical testing. Allele origin: germline.
Comment: This sequence change replaces asparagine, which is neutral and polar, with lysine, which is basic and polar, at codon 593 of the MET protein (p.Asn593Lys). This variant is not present in population databases (gnomAD no frequency). This variant has not been reported in the literature in individuals affected with MET-related conditions. Invitae Evidence Modeling of protein sequence and biophysical properties (such as structural, functional, and spatial information, amino acid conservation, physicochemical variation, residue mobility, and thermodynamic stability) indicates that this missense variant is not expected to disrupt MET protein function with a negative predictive value of 80%. In summary, the available evidence is currently insufficient to determine the role of this variant in disease. Therefore, it has been classified as a Variant of Uncertain Significance.